The following is an entry in ClinVar:

NM_148960.3(CLDN19):c.39G>T (p.Leu13Phe)

Gene: CLDN19 (claudin 19; minus strand). Cytogenetic location: 1p34.2.
Variant type: single nucleotide variant.
Coding change: c.39G>T on transcript NM_148960.3 (MANE Select); coding-DNA position 39, G replaced by T.
Protein change: p.Leu13Phe; replaces leucine 13 with phenylalanine.
Molecular consequence: missense variant.
Genome position (GRCh38, 1-based): chr1:42,740,025, C>A on the plus strand (G>T on the coding strand, the complement: CLDN19 is on the minus strand). VCF-style: chr1-42740025-C-A. GRCh37 (hg19) VCF-style: chr1-43205696-C-A.
Other names: c.39G>T, p.Leu13Phe (NM_001123395.2, NM_001185117.2); short protein forms L13F.
Identifiers: ClinVar variation 297347 (VCV000297347.21), dbSNP rs12065961, ClinGen allele CA801486.

ClinVar aggregate classification (germline): Benign/Likely benign. Review status: criteria provided, multiple submitters, no conflicts (2 of 4 stars). 6 submissions from 6 submitters: Benign (3); Likely benign (3). Last evaluated 2026-01-28.

Conditions:
Renal hypomagnesemia 5 with ocular involvement. Also called: FHHNC WITH SEVERE OCULAR INVOLVEMENT; HYPOMAGNESEMIA, FAMILIAL, WITH HYPERCALCIURIA, NEPHROCALCINOSIS, AND SEVERE OCULAR INVOLVEMENT; HYPOMAGNESEMIA 5, RENAL, WITH OR WITHOUT OCULAR INVOLVEMENT; MACULAR COLOBOMA, BILATERAL, WITH HYPERCALCIURIA. Identifiers: Orphanet 2196, MedGen C4721891, MONDO:0009548, OMIM 248190.

Allele frequency attached by ClinVar (database versions not stated): gnomAD exomes 0.00064 and 0.00176; ExAC 0.00383; ESP Exome Variant Server 0.00725; gnomAD 0.00748 and 0.00791; TOPMed 0.00766; 1000 Genomes Project 0.00978; 1000 Genomes Project 30x 0.01202.
gnomAD v4.1: 2,085 of 1,565,504 alleles (0.13%); highest among the groups gnomAD compares: African/African-American, 2.4%; 29 homozygotes.

Submissions (6):

Labcorp Genetics (formerly Invitae), Labcorp
Classification: Benign. Last evaluated: 2026-01-28. Review status: criteria provided, single submitter. Criteria: Invitae Variant Classification Sherloc (09022015). Collection method: clinical testing. Allele origin: germline.

Mayo Clinic Laboratories, Mayo Clinic
Classification: Benign. Last evaluated: 2025-09-05. Review status: criteria provided, single submitter. Criteria: ACMG Guidelines, 2015. Collection method: clinical testing. Allele origin: germline. Observed: 1 variant allele.
Comment: BS1, BS2

Blueprint Genetics
Classification: Likely benign. Last evaluated: 2024-09-15. Review status: criteria provided, single submitter. Criteria: ACMG Guidelines, 2015. Collection method: clinical testing. Allele origin: germline.

GeneDx
Classification: Likely benign. Last evaluated: 2022-11-18. Review status: criteria provided, single submitter. Criteria: GeneDx Variant Classification Process June 2021. Collection method: clinical testing. Allele origin: germline. Affected: yes.
Comment: See Variant Classification Assertion Criteria.

Illumina Laboratory Services, Illumina
Classification: Benign for Renal hypomagnesemia 5 with ocular involvement. Last evaluated: 2018-01-13. Review status: criteria provided, single submitter. Criteria: ICSL Variant Classification Criteria 13 December 2019. Collection method: clinical testing. Allele origin: germline.
Comment: This variant was observed in the ICSL laboratory as part of a predisposition screen in an ostensibly healthy population. It had not been previously curated by ICSL or reported in the Human Gene Mutation Database (HGMD: prior to June 1st, 2018), and was therefore a candidate for classification through an automated scoring system. Utilizing variant allele frequency, disease prevalence and penetrance estimates, and inheritance mode, an automated score was calculated to assess if this variant is too frequent to cause the disease. Based on the score and internal cut-off values, a variant classified as benign is not then subjected to further curation. The score for this variant resulted in a classification of benign for this disease.

Breakthrough Genomics
Classification: Likely benign. Review status: criteria provided, single submitter. Criteria: ACMG Guidelines, 2015. Collection method: not provided. Allele origin: germline. Inheritance: Autosomal recessive inheritance. Affected: yes.